The following is an entry in ClinVar:

NM_004525.3(LRP2):c.13904A>T (p.Tyr4635Phe)

Gene: LRP2 (LDL receptor related protein 2; minus strand). Cytogenetic location: 2q31.1.
Variant type: single nucleotide variant.
Coding change: c.13904A>T on transcript NM_004525.3 (MANE Select); coding-DNA position 13904, A replaced by T.
Protein change: p.Tyr4635Phe; replaces tyrosine 4635 with phenylalanine.
Molecular consequence: missense variant.
Genome position (GRCh38, 1-based): chr2:169,128,727, T>A on the plus strand (A>T on the coding strand, the complement: LRP2 is on the minus strand). VCF-style: chr2-169128727-T-A. GRCh37 (hg19) VCF-style: chr2-169985237-T-A.
Other names: short protein forms Y4635F.
Identifiers: ClinVar variation 1947153 (VCV001947153.5), dbSNP rs369442840, ClinGen allele CA59911106.

ClinVar aggregate classification (germline): Uncertain significance (1 of 4 stars; one submission).

Submission:

Labcorp Genetics (formerly Invitae), Labcorp
Classification: Uncertain significance. Last evaluated: 2024-02-24. Review status: criteria provided, single submitter. Criteria: Invitae Variant Classification Sherloc (09022015). Collection method: clinical testing. Allele origin: germline.
Comment: This sequence change replaces tyrosine, which is neutral and polar, with phenylalanine, which is neutral and non-polar, at codon 4635 of the LRP2 protein (p.Tyr4635Phe). This variant is not present in population databases (gnomAD no frequency). This variant has not been reported in the literature in individuals affected with LRP2-related conditions. ClinVar contains an entry for this variant (Variation ID: 1947153). Advanced modeling of protein sequence and biophysical properties (such as structural, functional, and spatial information, amino acid conservation, physicochemical variation, residue mobility, and thermodynamic stability) performed at Invitae indicates that this missense variant is not expected to disrupt LRP2 protein function with a negative predictive value of 95%. In summary, the available evidence is currently insufficient to determine the role of this variant in disease. Therefore, it has been classified as a Variant of Uncertain Significance.